The following is an entry in ClinVar:

NM_000038.6(APC):c.1626+2T>A

Gene: APC (APC regulator of Wnt signaling pathway; plus strand). Cytogenetic location: 5q22.2.
Variant type: single nucleotide variant.
Coding change: c.1626+2T>A on transcript NM_000038.6 (MANE Select); the canonical splice donor site of the intron after coding-DNA position 1626, T replaced by A.
Molecular consequence: splice donor variant.
Genome position (GRCh38, 1-based): chr5:112,828,008, T>A. VCF-style: chr5-112828008-T-A. GRCh37 (hg19) VCF-style: chr5-112163705-T-A.
Other names: c.777+2T>A (NM_001407470.1, NM_001354906.2); c.474+2T>A (NM_001407472.1, NM_001407471.1); c.1680+2T>A (NM_001407447.1, NM_001407448.1, NM_001407449.1 and 1 more transcripts); c.1626+2T>A (NM_001354895.2, NM_001407450.1, NM_001127510.3); c.1377+2T>A (NM_001407456.1, NM_001407457.1, NM_001407455.1 and 1 more transcripts); c.1323+2T>A (NM_001407460.1, NM_001407458.1, NM_001407459.1 and 1 more transcripts); c.1596+2T>A (NM_001407452.1); c.1239+2T>A (NM_001407469.1, NM_001407467.1); and 11 more.
Identifiers: ClinVar variation 3774438 (VCV003774438.1).
Genomic context (GRCh38, chr5:112,828,008, plus strand): 5'-AAGGCTGCATGAGAGCACTTGTGGCCCAACTAAAATCTGAAAGTGAAGACTTACAGCAGG[T>A]ACTATTTAGAATTTCACCTGTTTTTCTTTTTTCTCTTTTTCTTTGAGGCAGGGTCTCACT-3'

ClinVar aggregate classification (germline): Likely pathogenic (1 of 4 stars; one submission).

Conditions:
Hereditary cancer-predisposing syndrome. Also called: Tumor predisposition; Hereditary Cancer Syndrome; Neoplastic Syndromes, Hereditary; Hereditary neoplastic syndrome. Identifiers: Orphanet 140162, MedGen C0027672, MeSH D009386, MONDO:0015356.

Submission:

Molecular Diagnostics Laboratory, Catalan Institute of Oncology
Classification: Likely pathogenic for Hereditary cancer-predisposing syndrome. Last evaluated: 2024-11-21. Review status: criteria provided, single submitter. Criteria: ClinGen ACMG Specifications APC V1.0.0. Collection method: clinical testing. Allele origin: germline.
Comment: PVS1, PM2_Supporting c.1626+2T>A, located in a canonic splicing site of the APC gene is predicted to alter splicing (PVS1). SpliceAI predicts, with a significant score, that the variant abolishes the splicing donor site in intron 12. It is not present in the population database gnomAD v2.1.1, non cancer dataset (PM2_Supporting). To our knowledge, neither clinical data nor functional studies have been reported for this variant. Based on currently available information, the variant c.1626+2T>A is classified as a likely pathogenic variant according to ClinGen-APC Guidelines version 1.